The following is an entry in ClinVar:

ClinVar aggregate classification (germline): Pathogenic (1 of 4 stars; one submission).

Conditions:
Primary ciliary dyskinesia. Also called: Ciliary dyskinesia. Identifiers: Orphanet 244, MedGen C0008780, MONDO:0016575, HP:0012265.

Allele frequency attached by ClinVar (database versions not stated): ExAC 0.00001; gnomAD 0.00001.
gnomAD v4.1: 1 of 1,614,020 alleles (0.000062%); no homozygotes.

Submission:

Labcorp Genetics (formerly Invitae), Labcorp
Classification: Pathogenic for Primary ciliary dyskinesia. Last evaluated: 2025-02-17. Review status: criteria provided, single submitter. Criteria: Invitae Variant Classification Sherloc (09022015). Collection method: clinical testing. Allele origin: germline.
Comment: This sequence change creates a premature translational stop signal (p.Gln366*) in the ZMYND10 gene. It is expected to result in an absent or disrupted protein product. Loss-of-function variants in ZMYND10 are known to be pathogenic (PMID: 23891469, 23891471). This variant is present in population databases (rs761505231, gnomAD 0.004%). This premature translational stop signal has been observed in individual(s) with primary ciliary dyskinesia (PMID: 23891469). ClinVar contains an entry for this variant (Variation ID: 2734537). For these reasons, this variant has been classified as Pathogenic.

Literature cited by the submitters: PubMed 23891469; PubMed 23891471.

NM_015896.4(ZMYND10):c.1096C>T (p.Gln366Ter)

Gene: ZMYND10 (zinc finger MYND-type containing 10; minus strand). Cytogenetic location: 3p21.31.
Variant type: single nucleotide variant.
Coding change: c.1096C>T on transcript NM_015896.4 (MANE Select); coding-DNA position 1096, C replaced by T.
Protein change: p.Gln366Ter; replaces glutamine 366 with a stop codon.
Molecular consequence: nonsense.
Genome position (GRCh38, 1-based): chr3:50,341,835, G>A on the plus strand (C>T on the coding strand, the complement: ZMYND10 is on the minus strand). VCF-style: chr3-50341835-G-A. GRCh37 (hg19) VCF-style: chr3-50379266-G-A.
Other names: c.1081C>T, p.Gln361Ter (NM_001308379.2); short protein forms Q361*, Q366*.
Identifiers: ClinVar variation 2734537 (VCV002734537.3), dbSNP rs761505231, ClinGen allele CA2417000.